The following is an entry in ClinVar:

ClinVar aggregate classification (germline): Uncertain significance. Review status: criteria provided, multiple submitters, no conflicts (2 of 4 stars). 2 submissions from 2 submitters: Uncertain significance (2). Last evaluated 2025-11-04.

Conditions:
Inborn genetic diseases. Identifiers: MedGen C0950123, MeSH D030342.
Autosomal dominant childhood-onset proximal spinal muscular atrophy with contractures (SMALED2A). Also called: SPINAL MUSCULAR ATROPHY, LOWER EXTREMITY-PREDOMINANT, 2A, CHILDHOOD ONSET, AUTOSOMAL DOMINANT; Spinal muscular atrophy, lower extremity-predominant, 2A, autosomal dominant. Identifiers: Orphanet 363447, Orphanet 363454, MedGen C4747715, MONDO:0014121, OMIM 615290.

Allele frequency attached by ClinVar (database versions not stated): TOPMed below 0.00001.

Submissions (2):

Labcorp Genetics (formerly Invitae), Labcorp
Classification: Uncertain significance for Autosomal dominant childhood-onset proximal spinal muscular atrophy with contractures. Last evaluated: 2025-11-04. Review status: criteria provided, single submitter. Criteria: Invitae Variant Classification Sherloc (09022015). Collection method: clinical testing. Allele origin: germline.
Comment: This sequence change replaces serine, which is neutral and polar, with glycine, which is neutral and non-polar, at codon 458 of the BICD2 protein (p.Ser458Gly). This variant is not present in population databases (gnomAD no frequency). This variant has not been reported in the literature in individuals affected with BICD2-related conditions. ClinVar contains an entry for this variant (Variation ID: 854985). Invitae Evidence Modeling of protein sequence and biophysical properties (such as structural, functional, and spatial information, amino acid conservation, physicochemical variation, residue mobility, and thermodynamic stability) indicates that this missense variant is not expected to disrupt BICD2 protein function with a negative predictive value of 80%. In summary, the available evidence is currently insufficient to determine the role of this variant in disease. Therefore, it has been classified as a Variant of Uncertain Significance.

Ambry Genetics
Classification: Uncertain significance for Inborn genetic diseases. Last evaluated: 2025-04-04. Review status: criteria provided, single submitter. Criteria: Ambry Variant Classification Scheme 2023. Collection method: clinical testing. Allele origin: germline.

NM_001003800.2(BICD2):c.1372A>G (p.Ser458Gly)

Gene: BICD2 (BICD cargo adaptor 2; minus strand). Cytogenetic location: 9q22.31.
Variant type: single nucleotide variant.
Coding change: c.1372A>G on transcript NM_001003800.2 (MANE Select); coding-DNA position 1372, A replaced by G.
Protein change: p.Ser458Gly; replaces serine 458 with glycine.
Molecular consequence: missense variant.
Genome position (GRCh38, 1-based): chr9:92,719,273, T>C on the plus strand (A>G on the coding strand, the complement: BICD2 is on the minus strand). VCF-style: chr9-92719273-T-C. GRCh37 (hg19) VCF-style: chr9-95481555-T-C.
Other names: c.1372A>G, p.Ser458Gly (NM_015250.4); short protein forms S458G.
Identifiers: ClinVar variation 854985 (VCV000854985.13), dbSNP rs1853404911, ClinGen allele CA374038593.